The following is an entry in ClinVar:

NM_000051.4(ATM):c.5164C>T (p.Leu1722=)

Gene: ATM (ATM serine/threonine kinase; plus strand). Cytogenetic location: 11q22.3.
Variant type: single nucleotide variant.
Coding change: c.5164C>T on transcript NM_000051.4 (MANE Select); coding-DNA position 5164, C replaced by T.
Protein change: p.Leu1722=; no amino-acid change (leucine 1722 retained).
Molecular consequence: synonymous variant.
Genome position (GRCh38, 1-based): chr11:108,299,872, C>T. VCF-style: chr11-108299872-C-T. GRCh37 (hg19) VCF-style: chr11-108170599-C-T.
Other names: c.5164C>T, p.Leu1722= (NM_001351834.2).
Identifiers: ClinVar variation 825497 (VCV000825497.16), dbSNP rs1255639252, ClinGen allele CA476674736.

ClinVar aggregate classification (germline): Benign/Likely benign. Review status: criteria provided, multiple submitters, no conflicts (2 of 4 stars). 4 submissions from 4 submitters: Benign (1); Likely benign (3). Last evaluated 2026-01-06.

Conditions:
Familial cancer of breast. Also called: hereditary breast carcinoma; BREAST CANCER, FAMILIAL; Hereditary breast cancer. Identifiers: Orphanet 227535, MedGen C0346153, MONDO:0016419, OMIM 114480. Disease mechanism: loss of function.
Ataxia-telangiectasia syndrome (AT). Also called: ATAXIA-TELANGIECTASIA, COMPLEMENTATION GROUP A; ATAXIA-TELANGIECTASIA, FRESNO VARIANT; Ataxia-telangiectasia, complementation group E; Ataxia telangiectasia (A-T); LOUIS-BAR SYNDROME; Cerebello-oculocutaneous telangiectasia. Identifiers: Orphanet 100, MedGen C0004135, MONDO:0008840, OMIM 208900.
Hereditary cancer-predisposing syndrome. Also called: Neoplastic Syndromes, Hereditary; Hereditary Cancer Syndrome; Hereditary neoplastic syndrome; Tumor predisposition. Identifiers: Orphanet 140162, MedGen C0027672, MeSH D009386, MONDO:0015356.

Allele frequency attached by ClinVar (database versions not stated): gnomAD exomes below 0.00001 and 0.00001.
gnomAD v4.1: 6 of 1,613,622 alleles (0.00037%); highest among the groups gnomAD compares: East Asian, 0.0022%; no homozygotes.

Submissions (4):

Labcorp Genetics (formerly Invitae), Labcorp
Classification: Likely benign for Ataxia-telangiectasia syndrome. Last evaluated: 2026-01-06. Review status: criteria provided, single submitter. Criteria: Invitae Variant Classification Sherloc (09022015). Collection method: clinical testing. Allele origin: germline.

Myriad Genetics, Inc.
Classification: Benign for Familial cancer of breast. Last evaluated: 2024-05-22. Review status: criteria provided, single submitter. Criteria: Myriad Autosomal Dominant, Autosomal Recessive and X-Linked Classification Criteria (2023). Collection method: clinical testing. Allele origin: unknown.
Comment: This variant is considered benign. This variant is a silent/synonymous amino acid change and it is not expected to impact splicing.

Ambry Genetics
Classification: Likely benign for Hereditary cancer-predisposing syndrome. Last evaluated: 2018-04-03. Review status: criteria provided, single submitter. Criteria: Ambry Variant Classification Scheme 2023. Collection method: clinical testing. Allele origin: germline.

Color Diagnostics, LLC DBA Color Health
Classification: Likely benign for Hereditary cancer-predisposing syndrome. Last evaluated: 2018-02-06. Review status: criteria provided, single submitter. Criteria: ACMG Guidelines, 2015. Collection method: clinical testing. Allele origin: germline.